The following is an entry in ClinVar:

ClinVar aggregate classification (germline): Likely benign. Review status: criteria provided, single submitter (1 of 4 stars). 2 submissions from 2 submitters: Likely benign (1). 1 of the submissions does not count toward it. Last evaluated 2024-10-21.

Conditions:
EHMT1-related disorder. Also called: EHMT1-related condition.
Kleefstra syndrome 1 (KLEFS1). Identifiers: Orphanet 261494, MedGen C0795833, MONDO:0027407, OMIM 610253.

Allele frequency attached by ClinVar (database versions not stated): TOPMed below 0.00001; ExAC 0.00002; gnomAD exomes 0.00001 and below 0.00001.
gnomAD v4.1: 9 of 1,613,206 alleles (0.00056%); highest among the groups gnomAD compares: Admixed American, 0.0017%; no homozygotes.

Submissions (2):

Labcorp Genetics (formerly Invitae), Labcorp
Classification: Likely benign for Kleefstra syndrome 1. Last evaluated: 2024-10-21. Review status: criteria provided, single submitter. Criteria: Invitae Variant Classification Sherloc (09022015). Collection method: clinical testing. Allele origin: germline.

PreventionGenetics, part of Exact Sciences
Classification: Likely benign for EHMT1-related condition. Last evaluated: 2023-05-27. Review status: no assertion criteria provided. Collection method: clinical testing. Allele origin: germline. Not counted in ClinVar's aggregate classification.
Comment: This variant is classified as likely benign based on ACMG/AMP sequence variant interpretation guidelines (Richards et al. 2015 PMID: 25741868, with internal and published modifications).

NM_024757.5(EHMT1):c.237C>G (p.Val79=)

Gene: EHMT1 (euchromatic histone lysine methyltransferase 1; plus strand). Cytogenetic location: 9q34.3.
Variant type: single nucleotide variant.
Coding change: c.237C>G on transcript NM_024757.5 (MANE Select); coding-DNA position 237, C replaced by G.
Protein change: p.Val79=; no amino-acid change (valine 79 retained).
Molecular consequence: synonymous variant.
Genome position (GRCh38, 1-based): chr9:137,716,777, C>G. VCF-style: chr9-137716777-C-G. GRCh37 (hg19) VCF-style: chr9-140611229-C-G.
Other names: c.237C>G, p.Val79= (NM_001145527.2, NM_001354263.2, NM_001354611.2); c.144C>G, p.Val48= (NM_001354259.2, NM_001354612.2).
Identifiers: ClinVar variation 733087 (VCV000733087.10), dbSNP rs766085475, ClinGen allele CA5374235.
Genomic context (GRCh38, chr9:137,716,777, plus strand): 5'-AAACAGCGATGCCAGCAGTCATGCAAATGCTGCAAAGCACACTCAGGACAGCGCAAGGGT[C>G]AACCCCCAGGATGGCACCAACACACTAACTCGGATAGCGGAAAATGGGGTTTCAGAAAGA-3'
Protein context (NP_079033.4, residues 69-89): AAKHTQDSAR[Val79=]NPQDGTNTLT